The following is an entry in ClinVar:

NM_000285.4(PEPD):c.427G>A (p.Val143Ile)

Gene: PEPD (peptidase D; minus strand). Cytogenetic location: 19q13.11.
Variant type: single nucleotide variant.
Coding change: c.427G>A on transcript NM_000285.4 (MANE Select); coding-DNA position 427, G replaced by A.
Protein change: p.Val143Ile; replaces valine 143 with isoleucine.
Molecular consequence: missense variant.
Genome position (GRCh38, 1-based): chr19:33,493,304, C>T on the plus strand (G>A on the coding strand, the complement: PEPD is on the minus strand). VCF-style: chr19-33493304-C-T. GRCh37 (hg19) VCF-style: chr19-33984210-C-T.
Other names: c.427G>A, p.Val143Ile (NM_001166056.2); c.235G>A, p.Val79Ile (NM_001166057.2); short protein forms V143I, V79I.
Identifiers: ClinVar variation 328820 (VCV000328820.8), dbSNP rs760506591, ClinGen allele CA9364357.

ClinVar aggregate classification (germline): Uncertain significance. Review status: criteria provided, multiple submitters, no conflicts (2 of 4 stars). 2 submissions from 2 submitters: Uncertain significance (2). Last evaluated 2025-02-10.

Conditions:
Prolidase deficiency. Identifiers: Orphanet 742, MedGen C0268532, MONDO:0008221, OMIM 170100.

Allele frequency attached by ClinVar (database versions not stated): ExAC 0.00003; TOPMed 0.00003; gnomAD exomes 0.00001 and 0.00002.
gnomAD v4.1: 7 of 1,613,366 alleles (0.00043%); highest among the groups gnomAD compares: Admixed American, 0.0083%; no homozygotes.

Submissions (2):

Labcorp Genetics (formerly Invitae), Labcorp
Classification: Uncertain significance. Last evaluated: 2025-02-10. Review status: criteria provided, single submitter. Criteria: Invitae Variant Classification Sherloc (09022015). Collection method: clinical testing. Allele origin: germline.
Comment: This sequence change replaces valine, which is neutral and non-polar, with isoleucine, which is neutral and non-polar, at codon 143 of the PEPD protein (p.Val143Ile). This variant is present in population databases (rs760506591, gnomAD 0.01%). This variant has not been reported in the literature in individuals affected with PEPD-related conditions. ClinVar contains an entry for this variant (Variation ID: 328820). Invitae Evidence Modeling of protein sequence and biophysical properties (such as structural, functional, and spatial information, amino acid conservation, physicochemical variation, residue mobility, and thermodynamic stability) indicates that this missense variant is not expected to disrupt PEPD protein function with a negative predictive value of 95%. In summary, the available evidence is currently insufficient to determine the role of this variant in disease. Therefore, it has been classified as a Variant of Uncertain Significance.

Illumina Laboratory Services, Illumina
Classification: Uncertain significance for Prolidase deficiency. Last evaluated: 2018-01-12. Review status: criteria provided, single submitter. Criteria: ICSL Variant Classification Criteria 13 December 2019. Collection method: clinical testing. Allele origin: germline.